The following is an entry in ClinVar:

ClinVar aggregate classification (germline): Pathogenic. Review status: reviewed by expert panel (3 of 4 stars). 2 submissions from 2 submitters: Pathogenic (1). 1 of the submissions does not count toward it. Last evaluated 2025-05-19.

Conditions:
Juvenile retinoschisis (RS1). Also called: X-linked retinoschisis; X-Linked Juvenile Retinoschisis. Identifiers: Orphanet 792, MedGen C3714753, MONDO:0010725, OMIM 312700.

Submissions (2):

ClinGen X-linked Inherited Retinal Disease Variant Curation Expert Panel, ClinGen
Classification: Pathogenic for Juvenile retinoschisis. Last evaluated: 2025-05-19. Review status: reviewed by expert panel. Criteria: ClinGen X LinkedIRD ACMG Specifications RS1 V1.0.0. Collection method: curation. Allele origin: germline. Inheritance: X-linked inheritance.
Comment: The NM_000330.4(RS1):c.26del variant is a frameshift variant due to the deletion of 1 nucleotide introducing a premature stop codon after 117 amino acids and causing a truncated protein. This variant is absent from hemizygous individuals in gnomAD v4.1.0 (PM2_Supporting). This is a frameshift variant that introduces a premature stop codon between amino acids 1-223 that is predicted to either trigger nonsense-mediated decay or to disrupt a critical C-terminal region required for proper multimerization of RS1 (PVS1, PMID: 19849666). The variant has been reported to segregate with retinal dystrophy through at least 3 meioses in the same family (PP1_Strong; PMID: 17615541). At least one proband harboring this variant exhibits a phenotype including appearance of retinoschisis and reduced visual acuity before age 13 years, which together are specific for X-linked retinoschisis (PMID: 17615541, PP4). In summary, this variant is classified as pathogenic for X-linked retinoschisis based on the ClinGen X-linked Inherited Retinal Disease Expert Panel Specifications to the ACMG/AMP Variant Interpretation Guidelines for RS1 Version 1.0.0: PVS1, PM2_supporting, PP4, and PP1_strong (date of approval 01/24/2025).

Juno Genomics, Hangzhou Juno Genomics, Inc
Classification: Pathogenic for Juvenile retinoschisis. Review status: criteria provided, single submitter. Criteria: ACMG Guidelines, 2015. Collection method: clinical testing. Allele origin: germline. Not counted in ClinVar's aggregate classification.
Comment: Absent from controls (or at extremely low frequency if recessive) in Genome Aggregation Database.;Null variant in a gene where loss of function (LOF) is a known mechanism of disease.;Co-segregation with disease in multiple affected family members.

NM_000330.4(RS1):c.26del (p.Leu9fs)

Gene: RS1 (retinoschisin 1; minus strand). Cytogenetic location: Xp22.13.
Variant type: Deletion.
Coding change: c.26del on transcript NM_000330.4 (MANE Select); coding-DNA position 26, one base deleted (T; older notation c.26delT).
Protein change: p.Leu9fs; shifts the reading frame from leucine 9.
Molecular consequence: frameshift variant.
Genome position (GRCh38, 1-based): chrX:18,672,043, A deleted on the plus strand (T on the coding strand, the reverse complement: RS1 is on the minus strand); the first of 5 consecutive A bases (chrX:18,672,043-18,672,047); deleting any one gives the same sequence. VCF-style (leftmost placement, unchanged base first): chrX-18672042-CA-C. GRCh37 (hg19) VCF-style: chrX-18690162-CA-C.
Other names: NM_000330.4:c.26del; short protein forms L9fs.
Identifiers: ClinVar variation 3899907 (VCV003899907.3).